The following is an entry in ClinVar:

NM_000747.3(CHRNB1):c.979G>A (p.Val327Ile)

Gene: CHRNB1 (cholinergic receptor nicotinic beta 1 subunit; plus strand). Cytogenetic location: 17p13.1.
Variant type: single nucleotide variant.
Coding change: c.979G>A on transcript NM_000747.3 (MANE Select); coding-DNA position 979, G replaced by A.
Protein change: p.Val327Ile; replaces valine 327 with isoleucine.
Molecular consequence: missense variant.
Genome position (GRCh38, 1-based): chr17:7,454,455, G>A. VCF-style: chr17-7454455-G-A. GRCh37 (hg19) VCF-style: chr17-7357774-G-A.
Other names: short protein forms V327I.
Identifiers: ClinVar variation 3017401 (VCV003017401.3), dbSNP rs752778673, ClinGen allele CA8347927.

ClinVar aggregate classification (germline): Uncertain significance (1 of 4 stars; one submission).

Conditions:
Congenital myasthenic syndrome 2A. Also called: Myasthenic syndrome, congenital, 2a, slow-channel. Identifiers: Orphanet 590, MedGen C4225374, MONDO:0014581, OMIM 616313.

Allele frequency attached by ClinVar (database versions not stated): gnomAD exomes below 0.00001; ExAC 0.00001.
gnomAD v4.1: 1 of 1,614,064 alleles (0.000062%); highest among the groups gnomAD compares: Non-Finnish European, 0.000085%; no homozygotes.

Submission:

Labcorp Genetics (formerly Invitae), Labcorp
Classification: Uncertain significance for Congenital myasthenic syndrome 2A. Last evaluated: 2023-09-17. Review status: criteria provided, single submitter. Criteria: Invitae Variant Classification Sherloc (09022015). Collection method: clinical testing. Allele origin: germline.
Comment: Advanced modeling of protein sequence and biophysical properties (such as structural, functional, and spatial information, amino acid conservation, physicochemical variation, residue mobility, and thermodynamic stability) performed at Invitae indicates that this missense variant is not expected to disrupt CHRNB1 protein function. This variant has not been reported in the literature in individuals affected with CHRNB1-related conditions. This variant is present in population databases (rs752778673, gnomAD 0.0009%). This sequence change replaces valine, which is neutral and non-polar, with isoleucine, which is neutral and non-polar, at codon 327 of the CHRNB1 protein (p.Val327Ile). In summary, the available evidence is currently insufficient to determine the role of this variant in disease. Therefore, it has been classified as a Variant of Uncertain Significance.